The following is an entry in ClinVar:

NM_001903.5(CTNNA1):c.2649A>G (p.Lys883=)

Gene: CTNNA1 (catenin alpha 1; plus strand). Cytogenetic location: 5q31.2.
Variant type: single nucleotide variant.
Coding change: c.2649A>G on transcript NM_001903.5 (MANE Select); coding-DNA position 2649, A replaced by G.
Protein change: p.Lys883=; no amino-acid change (lysine 883 retained).
Molecular consequence: synonymous variant. On other transcripts: 3 prime UTR variant (5).
Genome position (GRCh38, 1-based): chr5:138,934,017, A>G. VCF-style: chr5-138934017-A-G. GRCh37 (hg19) VCF-style: chr5-138269706-A-G.
Other names: c.1539A>G, p.Lys513= (NM_001323988.1, NM_001323989.1, NM_001323990.1 and 12 more transcripts); c.*194A>G (NM_001324004.1, NM_001324005.1, NM_001324002.1 and 2 more transcripts); c.1200A>G, p.Lys400= (NM_001324006.1, NM_001324007.1, NM_001324008.1 and 2 more transcripts); c.1404A>G, p.Lys468= (NM_001324001.1); c.1446A>G, p.Lys482= (NM_001324011.1); c.1296A>G, p.Lys432= (NM_001324012.1, NM_001324013.1); c.2340A>G, p.Lys780= (NM_001290309.3); c.2280A>G, p.Lys760= (NM_001290310.3); and 3 more.
Identifiers: ClinVar variation 706280 (VCV000706280.12), dbSNP rs951406689, ClinGen allele CA128225597.
Genomic context (GRCh38, chr5:138,934,017, plus strand): 5'-ACCAGAGAAAAAGCCATTGGTGAAGAGAGAGAAACAGGATGAGACACAGACCAAGATTAA[A>G]CGGGCATCTCAGAAGAAGCACGTGAACCCGGTGCAGGCCCTCAGCGAGTTCAAAGCTATG-3'
Protein context (NP_001894.2, residues 873-893): EKQDETQTKI[Lys883=]RASQKKHVNP

ClinVar aggregate classification (germline): Benign/Likely benign. Review status: criteria provided, multiple submitters, no conflicts (2 of 4 stars). 3 submissions from 3 submitters: Benign (1); Likely benign (2). Last evaluated 2026-01-26.

Conditions:
Hereditary cancer-predisposing syndrome. Also called: Tumor predisposition; Hereditary neoplastic syndrome; Neoplastic Syndromes, Hereditary; Hereditary Cancer Syndrome. Identifiers: Orphanet 140162, MedGen C0027672, MeSH D009386, MONDO:0015356.
Hereditary diffuse gastric adenocarcinoma (HDGC). Also called: DIFFUSE GASTRIC AND LOBULAR BREAST CANCER SYNDROME. Identifiers: Orphanet 26106, MedGen C1708349, MONDO:0007648, OMIM 137215.

Allele frequency attached by ClinVar (database versions not stated): gnomAD 0.00002; TOPMed 0.00002.
gnomAD v4.1: 3 of 1,613,872 alleles (0.00019%); highest among the groups gnomAD compares: African/African-American, 0.004%; no homozygotes.

Submissions (3):

Labcorp Genetics (formerly Invitae), Labcorp
Classification: Likely benign. Last evaluated: 2026-01-26. Review status: criteria provided, single submitter. Criteria: Invitae Variant Classification Sherloc (09022015). Collection method: clinical testing. Allele origin: germline.

Myriad Genetics, Inc.
Classification: Benign for Hereditary diffuse gastric adenocarcinoma. Last evaluated: 2024-10-15. Review status: criteria provided, single submitter. Criteria: Myriad Autosomal Dominant, Autosomal Recessive and X-Linked Classification Criteria (2023). Collection method: clinical testing. Allele origin: unknown.
Comment: This variant is considered benign. This variant is a silent/synonymous amino acid change and it is not expected to impact splicing.

Ambry Genetics
Classification: Likely benign for Hereditary cancer-predisposing syndrome. Last evaluated: 2019-11-01. Review status: criteria provided, single submitter. Criteria: Ambry Variant Classification Scheme 2023. Collection method: clinical testing. Allele origin: germline.